The following is an entry in ClinVar:

NM_002519.3(NPAT):c.1503G>T (p.Gln501His)

Gene: NPAT (nuclear protein, coactivator of histone transcription; minus strand). Cytogenetic location: 11q22.3.
Variant type: single nucleotide variant.
Coding change: c.1503G>T on transcript NM_002519.3 (MANE Select); coding-DNA position 1503, G replaced by T.
Protein change: p.Gln501His; replaces glutamine 501 with histidine.
Molecular consequence: missense variant.
Genome position (GRCh38, 1-based): chr11:108,173,481, C>A on the plus strand (G>T on the coding strand, the complement: NPAT is on the minus strand). VCF-style: chr11-108173481-C-A. GRCh37 (hg19) VCF-style: chr11-108044208-C-A.
Other names: c.1503G>T, p.Gln501His (NM_001321307.1); short protein forms Q501H.
Identifiers: ClinVar variation 1774051 (VCV001774051.2), dbSNP rs781348848, ClinGen allele CA382515002.

ClinVar aggregate classification (germline): Uncertain significance (1 of 4 stars; one submission).

Submission:

Ambry Genetics
Classification: Uncertain significance. Last evaluated: 2022-06-22. Review status: criteria provided, single submitter. Criteria: Ambry Variant Classification Scheme 2023. Collection method: clinical testing. Allele origin: germline.
Comment: The p.Q501H variant (also known as c.1503G>T), located in coding exon 13 of the NPAT gene, results from a G to T substitution at nucleotide position 1503. The glutamine at codon 501 is replaced by histidine, an amino acid with highly similar properties. This amino acid position is conserved. In addition, this alteration is predicted to be tolerated by in silico analysis. Since supporting evidence is limited at this time, the clinical significance of this alteration remains unclear.